The following is an entry in ClinVar:

ClinVar aggregate classification (germline): Uncertain significance (1 of 4 stars; one submission).

Conditions:
SLC34A3-related disorder. Also called: SLC34A3-related condition.

Submission:

PreventionGenetics, part of Exact Sciences
Classification: Uncertain significance for SLC34A3-related condition. Last evaluated: 2025-02-08. Review status: criteria provided, single submitter. Criteria: ACMG Guidelines, 2015. Collection method: clinical testing. Allele origin: germline.
Comment: The SLC34A3 c.376G>T variant is predicted to result in the amino acid substitution p.Val126Leu. To our knowledge, this variant has not been reported in the literature. This variant is reported in 0.00089% of alleles in individuals of European (non-Finnish) descent in gnomAD. At this time, the clinical significance of this variant is uncertain due to the absence of conclusive functional and genetic evidence.

NM_001177316.2(SLC34A3):c.376G>T (p.Val126Leu)

Gene: SLC34A3 (solute carrier family 34 member 3; plus strand). Cytogenetic location: 9q34.3.
Variant type: single nucleotide variant.
Coding change: c.376G>T on transcript NM_001177316.2 (MANE Select); coding-DNA position 376, G replaced by T.
Protein change: p.Val126Leu; replaces valine 126 with leucine.
Molecular consequence: missense variant.
Genome position (GRCh38, 1-based): chr9:137,232,855, G>T. VCF-style: chr9-137232855-G-T. GRCh37 (hg19) VCF-style: chr9-140127307-G-T.
Other names: c.376G>T, p.Val126Leu (NM_001177317.2, NM_080877.3); short protein forms V126L.
Identifiers: ClinVar variation 4990574 (VCV004990574.1).
Genomic context (GRCh38, chr9:137,232,855, plus strand): 5'-GGAGACATCTTCAAGGACAACGTGGTGCTGTCCAACCCTGTGGCTGGACTGGTCATTGGC[G>T]TGCTGGTCACAGCCCTGGTGCAGAGTTCCAGCACGTCCTCCTCCATCGTGGTCAGCATGG-3'
Protein context (NP_001170787.2, residues 116-136): SNPVAGLVIG[Val126Leu]LVTALVQSSS